The following is an entry in ClinVar:

NM_181712.5(KANK4):c.2617A>G (p.Asn873Asp)

Gene: KANK4 (KN motif and ankyrin repeat domains 4; minus strand). Cytogenetic location: 1p31.3.
Variant type: single nucleotide variant.
Coding change: c.2617A>G on transcript NM_181712.5 (MANE Select); coding-DNA position 2617, A replaced by G.
Protein change: p.Asn873Asp; replaces asparagine 873 with aspartic acid.
Molecular consequence: missense variant.
Genome position (GRCh38, 1-based): chr1:62,253,132, T>C on the plus strand (A>G on the coding strand, the complement: KANK4 is on the minus strand). VCF-style: chr1-62253132-T-C. GRCh37 (hg19) VCF-style: chr1-62718804-T-C.
Other names: c.733A>G, p.Asn245Asp (NM_001320269.2); short protein forms N873D, N245D.
Identifiers: ClinVar variation 2345497 (VCV002345497.3), dbSNP rs200229473, ClinGen allele CA884030.

ClinVar aggregate classification (germline): Conflicting classifications of pathogenicity. Review status: criteria provided, conflicting classifications (1 of 4 stars). 2 submissions from 2 submitters: Uncertain significance (1); Likely benign (1). Last evaluated 2025-12-08.

Allele frequency attached by ClinVar (database versions not stated): gnomAD exomes 0.00002; gnomAD 0.00005; TOPMed 0.00005; ExAC 0.00009; 1000 Genomes Project 30x 0.00016; 1000 Genomes Project 0.00020.
gnomAD v4.1: 34 of 1,614,006 alleles (0.0021%); highest among the groups gnomAD compares: East Asian, 0.062%; 1 homozygote.

Submissions (2):

Labcorp Genetics (formerly Invitae), Labcorp
Classification: Uncertain significance. Last evaluated: 2025-12-08. Review status: criteria provided, single submitter. Criteria: Invitae Variant Classification Sherloc (09022015). Collection method: clinical testing. Allele origin: germline.
Comment: This sequence change replaces asparagine, which is neutral and polar, with aspartic acid, which is acidic and polar, at codon 873 of the KANK4 protein (p.Asn873Asp). This variant is present in population databases (rs200229473, gnomAD 0.1%), and has an allele count higher than expected for a pathogenic variant. This variant has not been reported in the literature in individuals affected with KANK4-related conditions. ClinVar contains an entry for this variant (Variation ID: 2345497). An algorithm developed to predict the effect of missense changes on protein structure and function outputs the following: PolyPhen-2: "Benign". The aspartic acid amino acid residue is found in multiple mammalian species, which suggests that this missense change does not adversely affect protein function. In summary, the available evidence is currently insufficient to determine the role of this variant in disease. Therefore, it has been classified as a Variant of Uncertain Significance.

Ambry Genetics
Classification: Likely benign. Last evaluated: 2022-05-11. Review status: criteria provided, single submitter. Criteria: Ambry Variant Classification Scheme 2023. Collection method: clinical testing. Allele origin: germline.